The following is an entry in ClinVar:

NC_012920.1(MT-TS2):m.12217A>G

Gene: MT-TS2 (mitochondrially encoded tRNA serine 2 (AGU/C); plus strand).
Variant type: single nucleotide variant.
Genome position: chrM-12217-A-G.
Identifiers: ClinVar variation 690161 (VCV000690161.3), dbSNP rs1556424082, ClinGen allele CA913169746.
Genomic context (GRCh38, chrMT:12,217, plus strand): 5'-AACATCAGATTGTGAATCTGACAACAGAGGCTTACGACCCCTTATTTACCGAGAAAGCTC[A>G]CAAGAACTGCTAACTCATGCCCCCATGTCTAACAACATGGCTTTCTCAACTTTTAAAGGA-3'

ClinVar aggregate classification (germline): Uncertain significance. Review status: reviewed by expert panel (3 of 4 stars). 3 submissions from 3 submitters: Uncertain significance (1). 2 of the submissions do not count toward it. Last evaluated 2023-08-22.

Conditions:
Mitochondrial disease. Also called: Mitochondrial disorder; Mitochondrial disorders. Identifiers: Orphanet 68380, MedGen C0751651, MeSH D028361, MONDO:0044970.
MELAS syndrome (MELAS). Also called: Juvenile myopathy, encephalopathy, lactic acidosis, stroke. Identifiers: Orphanet 550, MedGen C0162671, MONDO:0010789, OMIM 540000.

Submissions (3):

ClinGen Mitochondrial Disease Nuclear and Mitochondrial  Variant Curation Expert Panel, ClinGen
Classification: Uncertain significance for Mitochondrial disease. Last evaluated: 2023-08-22. Review status: reviewed by expert panel. Criteria: McCormick et al. (Hum Mutat. 2020). Collection method: curation. Allele origin: germline. Inheritance: Mitochondrial inheritance.
Comment: The m.12217A>G variant in MT-TS2 was reviewed by the Mitochondrial Disease Variant Curation Expert Panel on August 22, 2023. This variant has not been reported in the medical literature as causative in affected individuals or families with primary mitochondrial disease to our knowledge. There are several occurrences in population databases. The frequency in the MITOMAP GenBank sequences is 12/61,168 (0.020%). The frequency in the Helix dataset is 186/195,983 (0.095%) homoplasmic occurrences in addition to six heteroplasmic occurrences. The frequency in gnomAD v3.1.2 is 35/56,434 (0.062%). In all three population databases, this variant is seen in individuals from different haplogroups. MitoTIP suggests this variant is benign (5.8th percentile; BP4). There are no cybrids, single fiber studies, or other functional assays reported on this variant. In summary, this variant meets criteria to be classified as uncertain significance for primary mitochondrial disease inherited in a mitochondrial manner. We note that three experts on this panel felt likely benign was a more appropriate classification given the frequency in the general population and poor conservation at this site however the majority (four) agreed with uncertain significance. This classification was approved by the NICHD/NINDS U24 ClinGen Mitochondrial Disease Variant Curation Expert Panel on August 22, 2023. Mitochondrial DNA-specific ACMG/AMP criteria applied (PMID: 32906214): BP4.

Athena Diagnostics
Classification: Uncertain significance. Last evaluated: 2020-07-29. Review status: criteria provided, single submitter. Criteria: Athena Diagnostics Criteria. Collection method: clinical testing. Allele origin: unknown. Not counted in ClinVar's aggregate classification.

Wong Mito Lab, Molecular and Human Genetics, Baylor College of Medicine
Classification: Benign for MELAS syndrome. Last evaluated: 2019-07-12. Review status: criteria provided, single submitter. Criteria: Modified ACMG Guidelines (Unpublished). Collection method: clinical testing. Allele origin: germline. Not counted in ClinVar's aggregate classification.
Comment: The NC_012920.1:m.12217A>G variant in MT-TS2 gene is interpreted to be a Benign variant based on the modified ACMG guidelines (unpublished). This variant meets the following evidence codes reported in the guidelines: BS1, BS2, BP4

Literature cited by the submitters: PubMed 31965079 (cited by Athena Diagnostics and Wong Mito Lab, Molecular and Human Genetics, Baylor College of Medicine).